The following is an entry in ClinVar:

ClinVar aggregate classification (germline): Conflicting classifications of pathogenicity. Review status: criteria provided, conflicting classifications (1 of 4 stars). 3 submissions from 3 submitters: Uncertain significance (1); Likely benign (2). Last evaluated 2026-01-22.

Conditions:
Frank-Ter Haar syndrome. Also called: BORRONE DERMATOCARDIOSKELETAL SYNDROME; Borrone di Rocco Crovato syndrome; TER HAAR SYNDROME; MELNICK-NEEDLES SYNDROME, AUTOSOMAL RECESSIVE. Identifiers: Orphanet 1266, Orphanet 137834, MedGen C1855305, MONDO:0009579, OMIM 249420.

Allele frequency attached by ClinVar (database versions not stated): gnomAD exomes 0.00028 and 0.00063; ExAC 0.00030; gnomAD 0.00032; TOPMed 0.00037; ESP Exome Variant Server 0.00077.
gnomAD v4.1: 991 of 1,614,124 alleles (0.061%); highest among the groups gnomAD compares: Non-Finnish European, 0.077%; 1 homozygote.

Submissions (3):

Labcorp Genetics (formerly Invitae), Labcorp
Classification: Likely benign. Last evaluated: 2026-01-22. Review status: criteria provided, single submitter. Criteria: Invitae Variant Classification Sherloc (09022015). Collection method: clinical testing. Allele origin: germline.

CeGaT Center for Human Genetics Tuebingen
Classification: Likely benign. Last evaluated: 2024-11-01. Review status: criteria provided, single submitter. Criteria: CeGaT Center For Human Genetics Tuebingen Variant Classification Criteria Version 2. Collection method: clinical testing. Allele origin: germline. Affected: yes. Observed: 1 variant allele.
Comment: SH3PXD2B: BP4, BP7

Illumina Laboratory Services, Illumina
Classification: Uncertain significance for Frank-Ter Haar syndrome. Last evaluated: 2018-01-12. Review status: criteria provided, single submitter. Criteria: ICSL Variant Classification Criteria 13 December 2019. Collection method: clinical testing. Allele origin: germline.

NM_001017995.3(SH3PXD2B):c.1512G>A (p.Ala504=)

Gene: SH3PXD2B (SH3 and PX domains 2B; minus strand). Cytogenetic location: 5q35.1.
Variant type: single nucleotide variant.
Coding change: c.1512G>A on transcript NM_001017995.3 (MANE Select); coding-DNA position 1512, G replaced by A.
Protein change: p.Ala504=; no amino-acid change (alanine 504 retained).
Molecular consequence: synonymous variant. On other transcripts: intron variant (1).
Genome position (GRCh38, 1-based): chr5:172,339,593, C>T on the plus strand (G>A on the coding strand, the complement: SH3PXD2B is on the minus strand). VCF-style: chr5-172339593-C-T. GRCh37 (hg19) VCF-style: chr5-171766597-C-T.
Other names: c.1188+6543G>A (NM_001308175.2).
Identifiers: ClinVar variation 727112 (VCV000727112.27), dbSNP rs140645910, ClinGen allele CA3561168.